The following is an entry in ClinVar:

NM_002474.3(MYH11):c.2340G>A (p.Glu780=)

Gene: MYH11 (myosin heavy chain 11; minus strand). Cytogenetic location: 16p13.11.
Variant type: single nucleotide variant.
Coding change: c.2340G>A on transcript NM_002474.3 (MANE Select); coding-DNA position 2340, G replaced by A.
Protein change: p.Glu780=; no amino-acid change (glutamic acid 780 retained).
Molecular consequence: synonymous variant.
Genome position (GRCh38, 1-based): chr16:15,747,641, C>T on the plus strand (G>A on the coding strand, the complement: MYH11 is on the minus strand). VCF-style: chr16-15747641-C-T. GRCh37 (hg19) VCF-style: chr16-15841498-C-T.
Other names: c.2361G>A, p.Glu787= (NM_001040113.2, NM_001040114.2); c.2340G>A, p.Glu780= (NM_022844.3).
Identifiers: ClinVar variation 465715 (VCV000465715.17), dbSNP rs746358645, ClinGen allele CA7922311.

ClinVar aggregate classification (germline): Likely benign. Review status: criteria provided, multiple submitters, no conflicts (2 of 4 stars). 5 submissions from 5 submitters: Likely benign (4). 1 of the submissions does not count toward it. Last evaluated 2024-07-29.

Conditions:
Aortic aneurysm, familial thoracic 4 (AAT4). Also called: AORTIC ANEURYSM/AORTIC DISSECTION AND PATENT DUCTUS ARTERIOSUS. Identifiers: MedGen C1851504, MONDO:0007568, OMIM 132900.
MYH11-related disorder. Also called: MYH11-related condition.
Familial thoracic aortic aneurysm and aortic dissection (TAAD). Also called: Thoracic aortic aneurysms and dissections. Identifiers: Orphanet 91387, MedGen C4707243, MONDO:0019625.

Allele frequency attached by ClinVar (database versions not stated): gnomAD exomes below 0.00001 and 0.00001; ExAC 0.00001; gnomAD 0.00001; TOPMed 0.00001.
gnomAD v4.1: 19 of 1,613,978 alleles (0.0012%); highest among the groups gnomAD compares: Non-Finnish European, 0.0015%; no homozygotes.

Submissions (5):

All of Us Research Program, National Institutes of Health
Classification: Likely benign for Familial thoracic aortic aneurysm and aortic dissection. Last evaluated: 2024-07-29. Review status: criteria provided, single submitter. Criteria: ACMG Guidelines, 2015. Collection method: clinical testing. Allele origin: germline. Inheritance: Autosomal dominant inheritance. Observed: 1 variant allele, 1 heterozygote.
Comment: This study involves interpretation of variants in research participants for the purpose of population health screening. Participant phenotype was not available at the time of variant classification. Additional details can be found in publication PMID: 35346344, PMCID: PMC8962531

Color Diagnostics, LLC DBA Color Health
Classification: Likely benign for Familial thoracic aortic aneurysm and aortic dissection. Last evaluated: 2024-07-23. Review status: criteria provided, single submitter. Criteria: ACMG Guidelines, 2015. Collection method: clinical testing. Allele origin: germline.

Labcorp Genetics (formerly Invitae), Labcorp
Classification: Likely benign for Aortic aneurysm, familial thoracic 4. Last evaluated: 2024-06-13. Review status: criteria provided, single submitter. Criteria: Invitae Variant Classification Sherloc (09022015). Collection method: clinical testing. Allele origin: germline.

Ambry Genetics
Classification: Likely benign for Familial thoracic aortic aneurysm and aortic dissection. Last evaluated: 2022-03-23. Review status: criteria provided, single submitter. Criteria: Ambry Variant Classification Scheme 2023. Collection method: clinical testing. Allele origin: germline.

PreventionGenetics, part of Exact Sciences
Classification: Likely benign for MYH11-related condition. Last evaluated: 2022-05-24. Review status: no assertion criteria provided. Collection method: clinical testing. Allele origin: germline. Not counted in ClinVar's aggregate classification.
Comment: This variant is classified as likely benign based on ACMG/AMP sequence variant interpretation guidelines (Richards et al. 2015 PMID: 25741868, with internal and published modifications).